The following is an entry in ClinVar:

NM_000059.4(BRCA2):c.2133C>G (p.Cys711Trp)

Gene: BRCA2 (BRCA2 DNA repair associated; plus strand). Cytogenetic location: 13q13.1.
Variant type: single nucleotide variant.
Coding change: c.2133C>G on transcript NM_000059.4 (MANE Select); coding-DNA position 2133, C replaced by G.
Protein change: p.Cys711Trp; replaces cysteine 711 with tryptophan.
Molecular consequence: missense variant.
Genome position (GRCh38, 1-based): chr13:32,336,488, C>G. VCF-style: chr13-32336488-C-G. GRCh37 (hg19) VCF-style: chr13-32910625-C-G.
Other names: short protein forms C711W.
Identifiers: ClinVar variation 462258 (VCV000462258.9), dbSNP rs535547513, ClinGen allele CA387770092.

ClinVar aggregate classification (germline): Conflicting classifications of pathogenicity. Review status: criteria provided, conflicting classifications (1 of 4 stars). 2 submissions from 2 submitters: Uncertain significance (1); Likely benign (1). Last evaluated 2024-07-01.

Conditions:
Hereditary cancer-predisposing syndrome. Also called: Neoplastic Syndromes, Hereditary; Hereditary Cancer Syndrome; Hereditary neoplastic syndrome; Tumor predisposition. Identifiers: Orphanet 140162, MedGen C0027672, MeSH D009386, MONDO:0015356.
Hereditary breast ovarian cancer syndrome. Also called: Hereditary breast and ovarian cancer syndrome (HBOC); Hereditary breast and ovarian cancer syndrome; Breast and ovarian cancer; Hereditary breast and/or ovarian cancer syndrome; Hereditary breast and ovarian cancer; BRCA1- and BRCA2-Associated Hereditary Breast and Ovarian Cancer. Identifiers: Orphanet 145, MedGen C0677776, MeSH D061325, MONDO:0003582. Disease mechanism: loss of function.

gnomAD v4.1: 5 of 1,613,994 alleles (0.00031%); highest among the groups gnomAD compares: Non-Finnish European, 0.00042%; no homozygotes.

Submissions (2):

Labcorp Genetics (formerly Invitae), Labcorp
Classification: Uncertain significance for Hereditary breast ovarian cancer syndrome. Last evaluated: 2024-07-01. Review status: criteria provided, single submitter. Criteria: Invitae Variant Classification Sherloc (09022015). Collection method: clinical testing. Allele origin: germline.
Comment: This sequence change replaces cysteine, which is neutral and slightly polar, with tryptophan, which is neutral and slightly polar, at codon 711 of the BRCA2 protein (p.Cys711Trp). This variant is not present in population databases (gnomAD no frequency). This variant has not been reported in the literature in individuals affected with BRCA2-related conditions. ClinVar contains an entry for this variant (Variation ID: 462258). Advanced modeling of protein sequence and biophysical properties (such as structural, functional, and spatial information, amino acid conservation, physicochemical variation, residue mobility, and thermodynamic stability) performed at Invitae indicates that this missense variant is not expected to disrupt BRCA2 protein function with a negative predictive value of 95%. In summary, the available evidence is currently insufficient to determine the role of this variant in disease. Therefore, it has been classified as a Variant of Uncertain Significance.

University of Washington Department of Laboratory Medicine, University of Washington
Classification: Likely benign for Hereditary cancer-predisposing syndrome. Last evaluated: 2023-03-23. Review status: criteria provided, single submitter. Criteria: Dines et al. (Genet Med. 2020). Collection method: curation. Allele origin: germline.
Comment: Missense variant in a coldspot region where missense variants are very unlikely to be pathogenic (PMID:31911673).

BRCA2 exon 11 coldspot. Reclassification based on statistical prior probability.